The following is an entry in ClinVar:

ClinVar aggregate classification (germline): Likely benign. Review status: criteria provided, multiple submitters, no conflicts (2 of 4 stars). 2 submissions from 2 submitters: Likely benign (2). Last evaluated 2026-01-01.

Conditions:
Imerslund-Grasbeck syndrome. Also called: PERNICIOUS ANEMIA, JUVENILE, DUE TO SELECTIVE INTESTINAL MALABSORPTION OF VITAMIN B12, WITH PROTEINURIA; Megaloblastic anemia due to inborn errors of metabolism; Imerslund-Gräsbeck syndrome; ENTEROCYTE COBALAMIN MALABSORPTION; ENTEROCYTE INTRINSIC FACTOR RECEPTOR, DEFECT OF. Identifiers: Orphanet 35858, MedGen C4551825, MONDO:0009853.

Allele frequency attached by ClinVar (database versions not stated): TOPMed 0.00001; ExAC 0.00002; gnomAD exomes 0.00002.
gnomAD v4.1: 26 of 1,614,120 alleles (0.0016%); highest among the groups gnomAD compares: East Asian, 0.033%; no homozygotes.

Submissions (2):

CeGaT Center for Human Genetics Tuebingen
Classification: Likely benign. Last evaluated: 2026-01-01. Review status: criteria provided, single submitter. Criteria: CeGaT Center For Human Genetics Tuebingen Variant Classification Criteria Version 2. Collection method: clinical testing. Allele origin: germline. Affected: yes. Observed: 2 variant alleles.
Comment: CUBN: BP4, BP7

Labcorp Genetics (formerly Invitae), Labcorp
Classification: Likely benign for Imerslund-Grasbeck syndrome. Last evaluated: 2025-09-22. Review status: criteria provided, single submitter. Criteria: Invitae Variant Classification Sherloc (09022015). Collection method: clinical testing. Allele origin: germline.

NM_001081.4(CUBN):c.4269G>A (p.Thr1423=)

Gene: CUBN (cubilin; minus strand). Cytogenetic location: 10p13.
Variant type: single nucleotide variant.
Coding change: c.4269G>A on transcript NM_001081.4 (MANE Select); coding-DNA position 4269, G replaced by A.
Protein change: p.Thr1423=; no amino-acid change (threonine 1423 retained).
Molecular consequence: synonymous variant.
Genome position (GRCh38, 1-based): chr10:16,990,415, C>T on the plus strand (G>A on the coding strand, the complement: CUBN is on the minus strand). VCF-style: chr10-16990415-C-T. GRCh37 (hg19) VCF-style: chr10-17032414-C-T.
Identifiers: ClinVar variation 2191279 (VCV002191279.28), dbSNP rs758726713, ClinGen allele CA5424436.